The following is an entry in ClinVar:

ClinVar aggregate classification (germline): Uncertain significance (1 of 4 stars; one submission).

Conditions:
Inborn genetic diseases. Identifiers: MedGen C0950123, MeSH D030342.

Submission:

Ambry Genetics
Classification: Uncertain significance for Inborn genetic diseases. Last evaluated: 2025-10-22. Review status: criteria provided, single submitter. Criteria: Ambry Variant Classification Scheme 2023. Collection method: clinical testing. Allele origin: germline.
Comment: The p.Q703K variant (also known as c.2107C>A), located in coding exon 23 of the FANCA gene, results from a C to A substitution at nucleotide position 2107. The glutamine at codon 703 is replaced by lysine, an amino acid with similar properties. This amino acid position is conserved. In addition, this alteration is predicted to be tolerated by in silico analysis. Based on the available evidence, the clinical significance of this variant remains unclear.

NM_000135.4(FANCA):c.2107C>A (p.Gln703Lys)

Gene: FANCA (FA complementation group A; minus strand). Cytogenetic location: 16q24.3.
Variant type: single nucleotide variant.
Coding change: c.2107C>A on transcript NM_000135.4 (MANE Select); coding-DNA position 2107, C replaced by A.
Protein change: p.Gln703Lys; replaces glutamine 703 with lysine.
Molecular consequence: missense variant.
Genome position (GRCh38, 1-based): chr16:89,771,722, G>T on the plus strand (C>A on the coding strand, the complement: FANCA is on the minus strand). VCF-style: chr16-89771722-G-T. GRCh37 (hg19) VCF-style: chr16-89838130-G-T.
Other names: c.2107C>A, p.Gln703Lys (NM_001286167.3); short protein forms Q703K.
Identifiers: ClinVar variation 4619221 (VCV004619221.1).